The following is an entry in ClinVar:

NM_198578.4(LRRK2):c.2544G>A (p.Met848Ile)

Gene: LRRK2 (leucine rich repeat kinase 2; plus strand). Cytogenetic location: 12q12.
Variant type: single nucleotide variant.
Coding change: c.2544G>A on transcript NM_198578.4 (MANE Select); coding-DNA position 2544, G replaced by A.
Protein change: p.Met848Ile; replaces methionine 848 with isoleucine.
Molecular consequence: missense variant.
Genome position (GRCh38, 1-based): chr12:40,287,394, G>A. VCF-style: chr12-40287394-G-A. GRCh37 (hg19) VCF-style: chr12-40681196-G-A.
Other names: short protein forms M848I.
Identifiers: ClinVar variation 2562449 (VCV002562449.2), dbSNP rs1943970870, ClinGen allele CA384408655.

ClinVar aggregate classification (germline): Uncertain significance (1 of 4 stars; one submission).

Conditions:
Inborn genetic diseases. Identifiers: MedGen C0950123, MeSH D030342.

Allele frequency attached by ClinVar (database versions not stated): gnomAD exomes below 0.00001; TOPMed below 0.00001.

Submission:

Ambry Genetics
Classification: Uncertain significance for Inborn genetic diseases. Last evaluated: 2023-05-31. Review status: criteria provided, single submitter. Criteria: Ambry Variant Classification Scheme 2023. Collection method: clinical testing. Allele origin: germline.
Comment: The p.M848I variant (also known as c.2544G>A), located in coding exon 20 of the LRRK2 gene, results from a G to A substitution at nucleotide position 2544. The methionine at codon 848 is replaced by isoleucine, an amino acid with highly similar properties. This amino acid position is conserved. In addition, this alteration is predicted to be tolerated by in silico analysis. Since supporting evidence is limited at this time, the clinical significance of this alteration remains unclear.